The following is an entry in ClinVar:

NM_012401.4(PLXNB2):c.3531C>T (p.Phe1177=)

Gene: PLXNB2 (plexin B2; minus strand). Cytogenetic location: 22q13.33.
Variant type: single nucleotide variant.
Coding change: c.3531C>T on transcript NM_012401.4 (MANE Select); coding-DNA position 3531, C replaced by T.
Protein change: p.Phe1177=; no amino-acid change (phenylalanine 1177 retained).
Molecular consequence: synonymous variant.
Genome position (GRCh38, 1-based): chr22:50,281,491, G>A on the plus strand (C>T on the coding strand, the complement: PLXNB2 is on the minus strand). VCF-style: chr22-50281491-G-A. GRCh37 (hg19) VCF-style: chr22-50719920-G-A.
Other names: c.3531C>T, p.Phe1177= (NM_001376871.1, NM_001376872.1, NM_001376873.1 and 16 more transcripts); c.3507C>T, p.Phe1169= (NM_001376883.1); c.3438C>T, p.Phe1146= (NM_001376886.1); c.3768C>T, p.Phe1256= (NM_001376864.1); c.3600C>T, p.Phe1200= (NM_001376865.1).
Identifiers: ClinVar variation 2653376 (VCV002653376.24), dbSNP rs201645775, ClinGen allele CA10312260.
Genomic context (GRCh38, chr22:50,281,491, plus strand): 5'-CGGCACGTCGCTCACCCGTGTGTCGTACTCCACGCGGCCCAGCACCCACTCGCGAGAGCC[G>A]AACTTCACCTGTGTGGGGGGCCGGGTTCAGCGCGGTCCCGTGGGGGCACCCCCCGCCAGT-3'
Protein context (NP_036533.2, residues 1167-1187): THNLPEFIVK[Phe1177=]GSREWVLGRV

ClinVar aggregate classification (germline): Likely benign (1 of 4 stars; one submission).

Allele frequency attached by ClinVar (database versions not stated): ESP Exome Variant Server 0.00039; gnomAD exomes 0.00050; TOPMed 0.00054; gnomAD 0.00058; ExAC 0.00072.
gnomAD v4.1: 875 of 1,611,548 alleles (0.054%); highest among the groups gnomAD compares: Middle Eastern, 0.61%; 9 homozygotes.

Submission:

CeGaT Center for Human Genetics Tuebingen
Classification: Likely benign. Last evaluated: 2022-08-01. Review status: criteria provided, single submitter. Criteria: CeGaT Center For Human Genetics Tuebingen Variant Classification Criteria Version 2. Collection method: clinical testing. Allele origin: germline. Affected: yes. Observed: 1 variant allele.
Comment: PLXNB2: BP4, BP7